The following is an entry in ClinVar:

ClinVar aggregate classification (germline): Pathogenic (1 of 4 stars; one submission).

Submission:

Labcorp Genetics (formerly Invitae), Labcorp
Classification: Pathogenic. Last evaluated: 2023-10-22. Review status: criteria provided, single submitter. Criteria: Invitae Variant Classification Sherloc (09022015). Collection method: clinical testing. Allele origin: germline.
Comment: This sequence change creates a premature translational stop signal (p.Glu1250Leufs*5) in the TET2 gene. It is expected to result in an absent or disrupted protein product. Loss-of-function variants in TET2 are known to be pathogenic (PMID: 36066697). This variant is not present in population databases (gnomAD no frequency). This variant has not been reported in the literature in individuals affected with TET2-related conditions. For these reasons, this variant has been classified as Pathogenic.

Literature cited by the submitters: PubMed 36066697.

NM_001127208.3(TET2):c.3743_3747dup (p.Glu1250fs)

Genes: TET2 (tet methylcytosine dioxygenase 2; plus strand), TET2-AS1 (TET2 antisense RNA 1; minus strand). Cytogenetic location: 4q24.
Variant type: Duplication.
Coding change: c.3743_3747dup on transcript NM_001127208.3 (MANE Select); coding-DNA positions 3743 to 3747, 5 bases duplicated (TTACC; older notation c.3743_3747dupTTACC).
Protein change: p.Glu1250fs; shifts the reading frame from glutamic acid 1250.
Molecular consequence: frameshift variant.
Genome position (GRCh38, 1-based): chr4:105,243,718-105,243,722, TTACC duplicated; duplicating any 5 consecutive bases within chr4:105,243,717-105,243,722 gives the same sequence; the c. name uses the placement nearest the transcript's 3' end. VCF-style (leftmost placement, unchanged base first): chr4-105243716-G-GCTTAC. GRCh37 (hg19) VCF-style: chr4-106164873-G-GCTTAC.
Other names: short protein forms E1250fs.
Identifiers: ClinVar variation 2770654 (VCV002770654.3), dbSNP rs2476537994, ClinGen allele CA2578160018.